The following is an entry in ClinVar:

NM_002181.4(IHH):c.893T>G (p.Val298Gly)

Gene: IHH (Indian hedgehog signaling molecule; minus strand). Cytogenetic location: 2q35.
Variant type: single nucleotide variant.
Coding change: c.893T>G on transcript NM_002181.4 (MANE Select); coding-DNA position 893, T replaced by G.
Protein change: p.Val298Gly; replaces valine 298 with glycine.
Molecular consequence: missense variant.
Genome position (GRCh38, 1-based): chr2:219,055,550, A>C on the plus strand (T>G on the coding strand, the complement: IHH is on the minus strand). VCF-style: chr2-219055550-A-C. GRCh37 (hg19) VCF-style: chr2-219920272-A-C.
Other names: short protein forms V298G.
Identifiers: ClinVar variation 3774676 (VCV003774676.1).

ClinVar aggregate classification (germline): Uncertain significance (1 of 4 stars; one submission).

Submission:

GeneDx
Classification: Uncertain significance. Last evaluated: 2024-09-27. Review status: criteria provided, single submitter. Criteria: GeneDx Variant Classification Process June 2021. Collection method: clinical testing. Allele origin: germline. Affected: yes.
Comment: Not observed at significant frequency in large population cohorts (gnomAD); In silico analysis supports that this missense variant has a deleterious effect on protein structure/function; Has not been previously published as pathogenic or benign to our knowledge